The following is an entry in ClinVar:

ClinVar aggregate classification (germline): Likely benign (1 of 4 stars; one submission).

Allele frequency attached by ClinVar (database versions not stated): gnomAD 0.00001.

Submission:

GeneDx
Classification: Likely benign. Last evaluated: 2017-02-13. Review status: criteria provided, single submitter. Criteria: GeneDx Variant Classification (06012015). Collection method: clinical testing. Allele origin: germline. Affected: yes.
Comment: This variant is considered likely benign or benign based on one or more of the following criteria: it is a conservative change, it occurs at a poorly conserved position in the protein, it is predicted to be benign by multiple in silico algorithms, and/or has population frequency not consistent with disease.

NM_000257.4(MYH7):c.-16T>C

Gene: MYH7 (myosin heavy chain 7; minus strand). Cytogenetic location: 14q11.2.
Variant type: single nucleotide variant.
Coding change: c.-16T>C on transcript NM_000257.4 (MANE Select); 16 bases upstream of the start codon, T replaced by C.
Molecular consequence: 5 prime UTR variant.
Genome position (GRCh38, 1-based): chr14:23,434,201, A>G on the plus strand (T>C on the coding strand, the complement: MYH7 is on the minus strand). VCF-style: chr14-23434201-A-G. GRCh37 (hg19) VCF-style: chr14-23903410-A-G.
Other names: c.-16T>C (LRG_384t1).
Identifiers: ClinVar variation 383427 (VCV000383427.1), dbSNP rs1057521621, ClinGen allele CA16607626.
Genomic context (GRCh38, chr14:23,434,201, plus strand): 5'-TCTAATGCCCAGTCTTACTAGATTTTCAACACTCTAGCTTCAGCTTTTCTTACCTGGGCT[A>G]CTCAAGTGTGTCTACAGATGAGGAAAGGGGCCAAGGCCTGCAGGGGACCTGGAGAGAGGG-3'